The following is an entry in ClinVar:

NM_144670.6(A2ML1):c.2511G>C (p.Trp837Cys)

Gene: A2ML1 (alpha-2-macroglobulin like 1; plus strand). Cytogenetic location: 12p13.31.
Variant type: single nucleotide variant.
Coding change: c.2511G>C on transcript NM_144670.6 (MANE Select); coding-DNA position 2511, G replaced by C.
Protein change: p.Trp837Cys; replaces tryptophan 837 with cysteine.
Molecular consequence: missense variant.
Genome position (GRCh38, 1-based): chr12:8,852,257, G>C. VCF-style: chr12-8852257-G-C. GRCh37 (hg19) VCF-style: chr12-9004853-G-C.
Other names: c.1038G>C, p.Trp346Cys (NM_001282424.3); c.2511G>C (NM_144670.3); short protein forms W346C, W837C.
Identifiers: ClinVar variation 1418015 (VCV001418015.8), dbSNP rs746074032, ClinGen allele CA6436035.

ClinVar aggregate classification (germline): Uncertain significance. Review status: criteria provided, multiple submitters, no conflicts (2 of 4 stars). 3 submissions from 3 submitters: Uncertain significance (3). Last evaluated 2025-03-26.

Allele frequency attached by ClinVar (database versions not stated): gnomAD exomes 0.00001 and 0.00002; ExAC 0.00002; TOPMed 0.00002.
gnomAD v4.1: 13 of 1,614,036 alleles (0.00081%); highest among the groups gnomAD compares: Admixed American, 0.0067%; no homozygotes.

Submissions (3):

Labcorp Genetics (formerly Invitae), Labcorp
Classification: Uncertain significance. Last evaluated: 2025-03-26. Review status: criteria provided, single submitter. Criteria: Invitae Variant Classification Sherloc (09022015). Collection method: clinical testing. Allele origin: germline.
Comment: This sequence change replaces tryptophan, which is neutral and slightly polar, with cysteine, which is neutral and slightly polar, at codon 837 of the A2ML1 protein (p.Trp837Cys). This variant is present in population databases (rs746074032, gnomAD 0.006%). This variant has not been reported in the literature in individuals affected with A2ML1-related conditions. ClinVar contains an entry for this variant (Variation ID: 1418015). An algorithm developed to predict the effect of missense changes on protein structure and function (PolyPhen-2) suggests that this variant is likely to be tolerated. In summary, the available evidence is currently insufficient to determine the role of this variant in disease. Therefore, it has been classified as a Variant of Uncertain Significance.

Ambry Genetics
Classification: Uncertain significance. Last evaluated: 2024-03-04. Review status: criteria provided, single submitter. Criteria: Ambry Variant Classification Scheme 2023. Collection method: clinical testing. Allele origin: germline.
Comment: The p.W837C variant (also known as c.2511G>C), located in coding exon 20 of the A2ML1 gene, results from a G to C substitution at nucleotide position 2511. The tryptophan at codon 837 is replaced by cysteine, an amino acid with highly dissimilar properties. This amino acid position is conserved. In addition, this alteration is predicted to be tolerated by in silico analysis. Based on the available evidence, the clinical significance of this alteration remains unclear.

Breakthrough Genomics
Classification: Uncertain significance. Review status: criteria provided, single submitter. Criteria: ACMG Guidelines, 2015. Collection method: not provided. Allele origin: germline. Inheritance: Autosomal dominant inheritance. Affected: yes.